The following is an entry in ClinVar:

NM_181458.4(PAX3):c.185T>C (p.Met62Thr)

Gene: PAX3 (paired box 3; minus strand). Cytogenetic location: 2q36.1.
Variant type: single nucleotide variant.
Coding change: c.185T>C on transcript NM_181458.4 (MANE Select); coding-DNA position 185, T replaced by C.
Protein change: p.Met62Thr; replaces methionine 62 with threonine.
Molecular consequence: missense variant.
Genome position (GRCh38, 1-based): chr2:222,297,114, A>G on the plus strand (T>C on the coding strand, the complement: PAX3 is on the minus strand). VCF-style: chr2-222297114-A-G. GRCh37 (hg19) VCF-style: chr2-223161833-A-G.
Other names: c.185T>C, p.Met62Thr (NM_000438.6, NM_001127366.3, NM_013942.5 and 4 more transcripts); short protein forms M62T.
Identifiers: ClinVar variation 3381829 (VCV003381829.2).

ClinVar aggregate classification (germline): Likely pathogenic (1 of 4 stars; one submission).

Conditions:
Waardenburg syndrome. Also called: Waardenburg's syndrome. Identifiers: Orphanet 3440, MedGen C3266898, MONDO:0018094.

Submission:

Center for Statistical Genetics, Columbia University
Classification: Likely pathogenic for Waardenburg syndrome. Last evaluated: 2025-01-14. Review status: criteria provided, single submitter. Criteria: ACMG Guidelines, 2015. Collection method: research. Allele origin: germline. Inheritance: Autosomal dominant inheritance. Affected: yes. Observed: 2 heterozygotes.
Comment: The variant c.185T>C is a is a non-truncating non-synonymous variant. 44 pathogenic or likely pathogenic reported variants were found in a 236bp region surrounding this variant in exon 2 without any missense benign variants (PM1). Absent from data bases (PM2). A different missense change (PAX3:c.184A>G) determined to be pathogenic has been seen at the same codon (PM5). PAX3 is a known gene for Waardenburg syndrome. We have identified the segregation of this variant with the disease in multiple affected family members (PP1).There are 62 pathogenic missense variants in PAX3 (PP2). Insilico predictions tools support a deleterious effect on the gene (PP3). In summary, the variant was classified based on the ACMG/AMP criteria, using the evidences PM1, PM2, PM5, PP1, PP2, PP3